The following is an entry in ClinVar:

NM_000338.3(SLC12A1):c.1955G>C (p.Gly652Ala)

Gene: SLC12A1 (solute carrier family 12 member 1; plus strand). Cytogenetic location: 15q21.1.
Variant type: single nucleotide variant.
Coding change: c.1955G>C on transcript NM_000338.3 (MANE Select); coding-DNA position 1955, G replaced by C.
Protein change: p.Gly652Ala; replaces glycine 652 with alanine.
Molecular consequence: missense variant.
Genome position (GRCh38, 1-based): chr15:48,255,823, G>C. VCF-style: chr15-48255823-G-C. GRCh37 (hg19) VCF-style: chr15-48548020-G-C.
Other names: c.1955G>C, p.Gly652Ala (NM_001184832.2, NM_001384136.1); short protein forms G652A.
Identifiers: ClinVar variation 5037214 (VCV005037214.1).

ClinVar aggregate classification (germline): Uncertain significance (1 of 4 stars; one submission).

gnomAD v4.1: 1 of 1,604,612 alleles (0.000062%); highest among the groups gnomAD compares: African/African-American, 0.0013%; no homozygotes.

Submission:

GeneDx
Classification: Uncertain significance. Last evaluated: 2026-04-17. Review status: criteria provided, single submitter. Criteria: GeneDx Variant Classification Process June 2021. Collection method: clinical testing. Allele origin: germline.
Comment: Not observed at significant frequency in large population cohorts (gnomAD); In silico analysis supports that this missense variant has a deleterious effect on protein structure/function; Has not been previously published as pathogenic or benign to our knowledge